The following is an entry in ClinVar:

NM_000500.9(CYP21A2):c.1472del (p.Pro491fs)

Genes: CYP21A2 (cytochrome P450 family 21 subfamily A member 2; plus strand), LOC106780800 (CYP21A2 recombination region; plus strand). Cytogenetic location: 6p21.33.
Variant type: Deletion.
Coding change: c.1472del on transcript NM_000500.9 (MANE Select); coding-DNA position 1472, one base deleted (C; older notation c.1472delC).
Protein change: p.Pro491fs; shifts the reading frame from proline 491.
Molecular consequence: frameshift variant.
Genome position (GRCh38, 1-based): chr6:32,041,118, C deleted; the last of 3 consecutive C bases (chr6:32,041,116-32,041,118); deleting any one gives the same sequence. VCF-style (leftmost placement, unchanged base first): chr6-32041115-GC-G. GRCh37 (hg19) VCF-style: chr6-32008892-GC-G.
Other names: c.1382del, p.Pro461fs (NM_001128590.4); c.1067del, p.Pro356fs (NM_001368143.2, NM_001368144.2); short protein forms P356fs, P461fs, P491fs.
Identifiers: ClinVar variation 3346305 (VCV003346305.1).

ClinVar aggregate classification (germline): Pathogenic (0 of 4 stars; one submission).

Conditions:
CYP21A2-related disorder. Also called: CYP21A2-related condition.

Submission:

PreventionGenetics, part of Exact Sciences
Classification: Pathogenic for CYP21A2-related condition. Last evaluated: 2024-07-12. Review status: no assertion criteria provided. Collection method: clinical testing. Allele origin: germline.
Comment: The CYP21A2 c.1472delC variant is predicted to result in a frameshift and premature protein termination (p.Pro491Argfs*51). To our knowledge, this variant has not been reported in the literature or in a large population database, indicating this variant is rare. Frameshift variants, including those resulting in an extended protein beyond the normal stop codon, in CYP21A2 are expected to be pathogenic (see for example, p.Arg484Profs*58 in Hong et al. 2015. PubMed ID: 26206692; p.Gly485Aspfs*38 in Wang et al. 2016. PubMed ID: 26804566). This variant is interpreted as pathogenic.